The following is an entry in ClinVar:

ClinVar aggregate classification (germline): Pathogenic. Review status: reviewed by expert panel (3 of 4 stars). 22 submissions from 21 submitters: Pathogenic (1). 21 of the submissions do not count toward it. Last evaluated 2025-04-22.

Conditions:
CAPN3-related disorder. Also called: CAPN3-related disorders; CAPN3-related condition. Identifiers: MedGen CN239245.
Muscular dystrophy, limb-girdle, autosomal dominant 4. Also called: Calpain-3-related limb-girdle muscular dystrophy D4; MUSCULAR DYSTROPHY, LIMB-GIRDLE, TYPE 1I. Identifiers: Orphanet 565909, MedGen C4748295, MONDO:0029133, OMIM 618129.
Autosomal recessive limb-girdle muscular dystrophy type 2A (LGMDR1). Also called: Limb-girdle muscular dystrophy, type 2A; Calpainopathy; LEYDEN-MOEBIUS MUSCULAR DYSTROPHY; MUSCULAR DYSTROPHY, PELVOFEMORAL; Muscular dystrophy, limb-girdle, type 2A, Amish. Identifiers: Orphanet 267, MedGen C1869123, MONDO:0009675, OMIM 253600. Disease mechanism: loss of function.
Autosomal recessive limb-girdle muscular dystrophy. Identifiers: Orphanet 102015, MedGen C2931907, MONDO:0015152.

Allele frequency attached by ClinVar (database versions not stated): gnomAD 0.00005 and 0.00007; gnomAD exomes 0.00015; 1000 Genomes Project 30x 0.00016; ExAC 0.00017; 1000 Genomes Project 0.00020; TOPMed 0.00020.
gnomAD v4.1: 75 of 1,614,114 alleles (0.0046%); highest among the groups gnomAD compares: East Asian, 0.16%; no homozygotes.

Submissions 1 to 10 of 22:

ClinGen Limb Girdle Muscular Dystrophy Variant Curation Expert Panel, ClinGen
Classification: Pathogenic for Autosomal recessive limb-girdle muscular dystrophy. Last evaluated: 2025-04-22. Review status: reviewed by expert panel. Criteria: ClinGen LGMD VCEP ACMG Specifications CAPN3 V1.0.0. Collection method: curation. Allele origin: germline. Inheritance: Autosomal recessive inheritance.
Comment: The NM_000070.3: c.2120A>G variant in CAPN3 is a missense variant predicted to cause substitution of asparagine with glycine at amino acid position 707, p.(Asp707Gly). This variant has been reported in over 20 patients with features of LGMD and is particularly common among patients with East Asian ancestry (PMID: 28403181, 17258832, 10567047, 19556129, 27066573, 37974208, 32994280, 33899113, 30127231, 39188286, 11525884; LOVD CAPN3_000118). These reports include at least five unrelated homozygous cases without reported familial consanguinity (1.0 pt; PMID: 17258832, 10567047, 32994280, 11525884) and at least one observation where the variant was confirmed in trans with a likely pathogenic or pathogenic variant (c.2201_2202del p.(Tyr734Ter), 1.0 pt, PMID: 33899113) (PM3_Strong). It has also been reported to segregate with the LGMD phenotype in six affected family members from four families (PP1_Strong; PMID: 37974208, 32994280, 39188286, 11525884). At least one patient with this variant displayed progressive limb girdle muscle weakness and significantly reduced calpain-3 protein expression, which is specific for CAPN3-related LGMD (PMID: 26632398, 19556129, 10567047, 17258832; PP4 (capped with PP1_Strong)). The filtering allele frequency in gnomAD v4.1.0 exomes is 0.001250 (the lower threshold of the 95% CI of 62/39700 East Asian chromosomes), which is above the LGMD VCEP threshold (0.001) for BS1. However, this variant is one of the most commonly described CAPN3 variants reported in patients in this population, and the VCEP opted not to apply this code (BS1 exception). The computational predictor REVEL gives a score of 0.966, which is above the LGMD VCEP threshold of ≥0.70, evidence that correlates with impact to CAPN3 function (PP3). In summary, this variant meets the criteria to be classified as Pathogenic for autosomal recessive limb girdle muscular dystrophy based on the ACMG/AMP criteria applied, as specified by the ClinGen LGMD VCEP (LGMD VCEP specifications version 1.0.0; 04/22/2025): PM3_Strong, PP1_Strong, PP4, PP3.

Labcorp Genetics (formerly Invitae), Labcorp
Classification: Pathogenic for Autosomal recessive limb-girdle muscular dystrophy type 2A. Last evaluated: 2026-01-18. Review status: criteria provided, single submitter. Criteria: Invitae Variant Classification Sherloc (09022015). Collection method: clinical testing. Allele origin: germline. Not counted in ClinVar's aggregate classification.
Comment: This sequence change replaces aspartic acid, which is acidic and polar, with glycine, which is neutral and non-polar, at codon 707 of the CAPN3 protein (p.Asp707Gly). This variant is present in population databases (rs200379491, gnomAD 0.2%). This missense change has been observed in individual(s) with autosomal recessive limb-girdle muscular dystrophy (PMID: 10567047, 11525884, 25252031, 26632398). In at least one individual the data is consistent with being in trans (on the opposite chromosome) from a pathogenic variant. ClinVar contains an entry for this variant (Variation ID: 468648). Invitae Evidence Modeling of protein sequence and biophysical properties (such as structural, functional, and spatial information, amino acid conservation, physicochemical variation, residue mobility, and thermodynamic stability) indicates that this missense variant is not expected to disrupt CAPN3 protein function with a negative predictive value of 80%. For these reasons, this variant has been classified as Pathogenic.

Dasa
Classification: Pathogenic. Last evaluated: 2025-12-22. Review status: criteria provided, single submitter. Criteria: DASA Assertion Criteria. Collection method: clinical testing. Allele origin: germline. Not counted in ClinVar's aggregate classification.
Comment: NM_000070.3(CAPN3):c.2120A>G (p.Asp707Gly) is a missense variant that results in the substitution of aspartic acid with glycine. Segregation evidence has been reported in affected families. This variant has been observed in affected individuals with related phenotype in a genotype context consistent with recessive disease (PMID: 28403181; PMID: 17258832; PMID: 10567047; PMID: 19556129; PMID: 27066573). This variant has been recurrently observed in individuals with related phenotype (PMID: 28403181; PMID: 17258832; PMID: 10567047; PMID: 19556129; PMID: 27066573). Multiple computational predictions support a deleterious effect on the gene or gene product. The variant is present at low frequency in population datasets. Based on the available data, this variant is classified as pathogenic.

Medical and Scientific Branch, Hong Kong Genome Institute
Classification: Pathogenic for Autosomal recessive limb-girdle muscular dystrophy type 2A. Last evaluated: 2025-10-11. Review status: criteria provided, single submitter. Criteria: ACMG Guidelines, 2015. Collection method: clinical testing. Allele origin: germline. Affected: yes. Not counted in ClinVar's aggregate classification.

3billion
Classification: Pathogenic for Autosomal recessive limb-girdle muscular dystrophy type 2A. Last evaluated: 2025-09-30. Review status: criteria provided, single submitter. Criteria: ACMG Guidelines, 2015. Collection method: clinical testing. Allele origin: germline. Affected: yes. Not counted in ClinVar's aggregate classification.
Comment: The variant is observed at an extremely low frequency in the gnomAD v4.1.0 dataset (total allele frequency: 0.005%). Predicted Consequence/Location: The variant is located in a mutational hot spot and/or well-established functional domain in which established pathogenic variants have been reported (PMID: 26632398). In silico tool predictions suggest damaging effect of the variant on gene or gene product [REVEL: 0.97 (>=0.6, sensitivity 0.68 and specificity 0.92); 3Cnet: 0.99 (> 0.75, sensitivity 0.96 and precision 0.92)]. The same nucleotide change resulting in the same amino acid change has been previously reported as pathogenic/likely pathogenic with strong evidence (ClinVar ID: VCV000468648 /PMID: 10567047 /3billion dataset). The variant has been reported to be in trans with a pathogenic variant as either compound heterozygous or homozygous in at least 2 similarly affected unrelated individuals (PMID: 26632398). A different missense change at the same codon (p.Asp707His) has been reported to be associated with CAPN3-related disorder (ClinVar ID: VCV000290334). Therefore, this variant is classified as Pathogenic (PS1_S, PM1_M, PM2_M, PM3_S, PM5_P, PP3_P) according to the recommendation of ACMG/AMP guideline.

First Genomix Gene Laboratory, Genetic Diagnostics Department
Classification: Pathogenic for Autosomal recessive limb-girdle muscular dystrophy type 2A. Last evaluated: 2025-09-19. Review status: criteria provided, single submitter. Criteria: ACMG Guidelines, 2015. Collection method: clinical testing. Allele origin: germline. Inheritance: Autosomal recessive inheritance. Affected: no. Observed: 1 variant allele. Not counted in ClinVar's aggregate classification.

Revvity Omics, Revvity
Classification: Pathogenic. Last evaluated: 2025-07-23. Review status: criteria provided, single submitter. Criteria: ACMG Guidelines, 2015. Collection method: clinical testing. Allele origin: germline. Not counted in ClinVar's aggregate classification.

Natera, Inc.
Classification: Pathogenic for Limb-girdle muscular dystrophy type 2A. Last evaluated: 2025-06-18. Review status: criteria provided, single submitter. Criteria: Natera Variant Classification Schema (03/2026). Collection method: clinical testing. Allele origin: germline. Not counted in ClinVar's aggregate classification.
Comment: The c.2120A>G variant in CAPN3 is a missense variant predicted to cause substitution of aspartic acid to glycine at amino acid 707. This variant is rare in the general population with a frequency below the threshold expected for the associated phenotype(s). This variant has been observed in one or more individuals affected with the associated recessive disease, as either homozygous or compound heterozygous with a second variant (PMID: 28403181). Computational prediction algorithms indicate this variant is likely to affect gene or protein function. Given the available evidence, this variant is classified as Pathogenic.

Fulgent Genetics
Classification: Pathogenic for Autosomal recessive limb-girdle muscular dystrophy type 2A; Muscular dystrophy, limb-girdle, autosomal dominant 4. Last evaluated: 2024-06-04. Review status: criteria provided, single submitter. Criteria: ACMG Guidelines, 2015. Collection method: clinical testing. Allele origin: germline. Not counted in ClinVar's aggregate classification.

Baylor Genetics
Classification: Pathogenic for Muscular dystrophy, limb-girdle, autosomal dominant 4. Last evaluated: 2024-03-26. Review status: criteria provided, single submitter. Criteria: ACMG Guidelines, 2015. Collection method: clinical testing. Allele origin: unknown. Not counted in ClinVar's aggregate classification.

NM_000070.3(CAPN3):c.2120A>G (p.Asp707Gly)

Gene: CAPN3 (calpain 3; plus strand). Cytogenetic location: 15q15.1.
Variant type: single nucleotide variant.
Coding change: c.2120A>G on transcript NM_000070.3 (MANE Select); coding-DNA position 2120, A replaced by G.
Protein change: p.Asp707Gly; replaces aspartic acid 707 with glycine.
Molecular consequence: missense variant.
Genome position (GRCh38, 1-based): chr15:42,410,432, A>G. VCF-style: chr15-42410432-A-G. GRCh37 (hg19) VCF-style: chr15-42702630-A-G.
Other names: NM_000070.3(CAPN3):c.2120A>G; p.Asp707Gly; c.2102A>G, p.Asp701Gly (NM_024344.2); c.1844A>G, p.Asp615Gly (NM_173087.2); c.584A>G, p.Asp195Gly (NM_173088.2); c.125A>G, p.Asp42Gly (NM_173089.2, NM_173090.2); short protein forms D707G, D195G, D42G, D615G, D701G.
Identifiers: ClinVar variation 468648 (VCV000468648.46), dbSNP rs200379491, ClinGen allele CA7511744.